The following is an entry in ClinVar:

NM_021098.3(CACNA1H):c.4213C>T (p.Arg1405Trp)

Gene: CACNA1H (calcium voltage-gated channel subunit alpha1 H; plus strand). Cytogenetic location: 16p13.3.
Variant type: single nucleotide variant.
Coding change: c.4213C>T on transcript NM_021098.3 (MANE Select); coding-DNA position 4213, C replaced by T.
Protein change: p.Arg1405Trp; replaces arginine 1405 with tryptophan.
Molecular consequence: missense variant.
Genome position (GRCh38, 1-based): chr16:1,210,961, C>T. VCF-style: chr16-1210961-C-T. GRCh37 (hg19) VCF-style: chr16-1260961-C-T.
Other names: c.4213C>T, p.Arg1405Trp (NM_001005407.2); short protein forms R1405W.
Identifiers: ClinVar variation 3750946 (VCV003750946.2).
Genomic context (GRCh38, chr16:1,210,961, plus strand): 5'-TCGGCTGGTGGCGCCAAGATCCTGGGTGTTCTGCGCGTGCTGCGTCTGCTGCGGACCCTG[C>T]GGCCTCTGAGGTGGGGGGCTCCCCGTGGGCTCCCGGGGCAACCTGGAAGCACAGTCCCCT-3'
Protein context (NP_066921.2, residues 1395-1415): LRVLRLLRTL[Arg1405Trp]PLRVISRAPG

ClinVar aggregate classification (germline): Uncertain significance (1 of 4 stars; one submission).

Conditions:
Idiopathic generalized epilepsy. Also called: EIG; Generalised epilepsy. Identifiers: MedGen C0270850, MONDO:0005579, OMIM 600669.
Hyperaldosteronism, familial, type IV (HALD4). Also called: FH IV; ALDOSTERONISM, PRIMARY, AND HYPERTENSION. Identifiers: Orphanet 642671, MedGen C4310756, MONDO:0014875, OMIM 617027.

Submission:

Labcorp Genetics (formerly Invitae), Labcorp
Classification: Uncertain significance for Idiopathic generalized epilepsy; Hyperaldosteronism, familial, type IV. Last evaluated: 2024-04-08. Review status: criteria provided, single submitter. Criteria: Invitae Variant Classification Sherloc (09022015). Collection method: clinical testing. Allele origin: germline.
Comment: This sequence change replaces arginine, which is basic and polar, with tryptophan, which is neutral and slightly polar, at codon 1405 of the CACNA1H protein (p.Arg1405Trp). The frequency data for this variant in the population databases is considered unreliable, as metrics indicate poor data quality at this position in the gnomAD database. This variant has not been reported in the literature in individuals affected with CACNA1H-related conditions. Advanced modeling of protein sequence and biophysical properties (such as structural, functional, and spatial information, amino acid conservation, physicochemical variation, residue mobility, and thermodynamic stability) performed at Invitae indicates that this missense variant is expected to disrupt CACNA1H protein function with a positive predictive value of 80%. In summary, the available evidence is currently insufficient to determine the role of this variant in disease. Therefore, it has been classified as a Variant of Uncertain Significance.